The following is an entry in ClinVar:

ClinVar aggregate classification (germline): Pathogenic (1 of 4 stars; one submission).

Conditions:
Familial cancer of breast. Also called: Hereditary breast cancer; BREAST CANCER, FAMILIAL; hereditary breast carcinoma. Identifiers: Orphanet 227535, MedGen C0346153, MONDO:0016419, OMIM 114480. Disease mechanism: loss of function.

Submission:

Myriad Genetics, Inc.
Classification: Pathogenic for Familial cancer of breast. Last evaluated: 2023-09-08. Review status: criteria provided, single submitter. Criteria: Myriad Autosomal Dominant, Autosomal Recessive and X-Linked Classification Criteria (2023). Collection method: clinical testing. Allele origin: unknown.
Comment: This variant is considered pathogenic. This variant creates a frameshift predicted to result in premature protein truncation.

NM_024675.4(PALB2):c.1241_1356del (p.Arg414fs)

Gene: PALB2 (partner and localizer of BRCA2; minus strand). Cytogenetic location: 16p12.2.
Variant type: Deletion.
Coding change: c.1241_1356del on transcript NM_024675.4 (MANE Select); coding-DNA positions 1241 to 1356, 116 bases deleted.
Protein change: p.Arg414fs; shifts the reading frame from arginine 414.
Molecular consequence: frameshift variant. On other transcripts: intron variant (3).
Genome position (GRCh38, 1-based): chr16:23,635,190-23,635,305, 116 bases deleted. GRCh37 (hg19): chr16:23,646,513-23,646,628.
Other names: c.1181_1296del, p.Arg394fs (NM_001407296.1); c.1241_1356del, p.Arg414fs (NM_001407297.1, NM_001407298.1, NM_001407299.1 and 3 more transcripts); c.356_471del, p.Arg119fs (NM_001407304.1, NM_001407305.1, NM_001407306.1 and 5 more transcripts); c.48+5805_49-5915del (NM_001407314.1); c.-104-4836_-104-4721del (NM_001407313.1, NM_001407312.1); short protein forms R119fs, R394fs, R414fs.
Identifiers: ClinVar variation 2674072 (VCV002674072.1), dbSNP rs2506480505, ClinGen allele CA2695197482.